The following is an entry in ClinVar:

NM_024782.3(NHEJ1):c.30G>A (p.Met10Ile)

Gene: NHEJ1 (non-homologous end joining factor 1; minus strand). Cytogenetic location: 2q35.
Variant type: single nucleotide variant.
Coding change: c.30G>A on transcript NM_024782.3 (MANE Select); coding-DNA position 30, G replaced by A.
Protein change: p.Met10Ile; replaces methionine 10 with isoleucine.
Molecular consequence: missense variant. On other transcripts: non-coding transcript variant (1).
Genome position (GRCh38, 1-based): chr2:219,158,333, C>T on the plus strand (G>A on the coding strand, the complement: NHEJ1 is on the minus strand). VCF-style: chr2-219158333-C-T. GRCh37 (hg19) VCF-style: chr2-220023055-C-T.
Other names: c.30G>A, p.Met10Ile (NM_001377498.1, NM_001377499.1); short protein forms M10I.
Identifiers: ClinVar variation 964427 (VCV000964427.8), dbSNP rs370275980, ClinGen allele CA2117111.
Genomic context (GRCh38, chr2:219,158,333, plus strand): 5'-GGTGATAAAAACCTTGGCCAAGAGGGAGTTCTCTGCAAGCTGTAGCCACGCCCATGGCTG[C>T]ATCAACAGGCCTTGCTCCAGTTCTTCCATCTGCAAAAAAGTCCTCATTTAGTAAAGAGCC-3'
Protein context (NP_079058.1, residues 1-20): MEELEQGLL[Met10Ile]QPWAWLQLAE

ClinVar aggregate classification (germline): Uncertain significance. Review status: criteria provided, multiple submitters, no conflicts (2 of 4 stars). 2 submissions from 2 submitters: Uncertain significance (2). Last evaluated 2022-10-03.

Conditions:
Inborn genetic diseases. Identifiers: MedGen C0950123, MeSH D030342.
Cernunnos-XLF deficiency (IMD124). Also called: Severe combined immunodeficiency with sensitivity to ionizing radiation due to NHEJ1 deficiency; SCID, autosomal recessive, T cell-negative, B cell-negative, NK cell-positive, and sensitivity to ionizing radiation due to NHEJ1 deficiency; IMMUNODEFICIENCY 124, SEVERE COMBINED; SCID, AUTOSOMAL RECESSIVE, T CELL-NEGATIVE, B CELL-NEGATIVE, NK CELL-POSITIVE, WITH MICROCEPHALY, GROWTH RETARDATION, AND SENSITIVITY TO IONIZING RADIATION; NHEJ1 SYNDROME. Identifiers: Orphanet 169079, MedGen C1969799, MONDO:0012650, OMIM 611291.

Allele frequency attached by ClinVar (database versions not stated): gnomAD exomes 0.00001 and 0.00002; ExAC 0.00002; gnomAD 0.00006; TOPMed 0.00009; ESP Exome Variant Server 0.00015.

Submissions (2):

Ambry Genetics
Classification: Uncertain significance for Inborn genetic diseases. Last evaluated: 2022-10-03. Review status: criteria provided, single submitter. Criteria: Ambry Variant Classification Scheme 2023. Collection method: clinical testing. Allele origin: germline.

Labcorp Genetics (formerly Invitae), Labcorp
Classification: Uncertain significance for Cernunnos-XLF deficiency. Last evaluated: 2022-01-17. Review status: criteria provided, single submitter. Criteria: Invitae Variant Classification Sherloc (09022015). Collection method: clinical testing. Allele origin: germline.
Comment: This sequence change replaces methionine, which is neutral and non-polar, with isoleucine, which is neutral and non-polar, at codon 10 of the NHEJ1 protein (p.Met10Ile). This variant is present in population databases (rs370275980, gnomAD 0.03%). This variant has not been reported in the literature in individuals affected with NHEJ1-related conditions. ClinVar contains an entry for this variant (Variation ID: 964427). Algorithms developed to predict the effect of missense changes on protein structure and function output the following: SIFT: "Tolerated"; PolyPhen-2: "Benign"; Align-GVGD: "Class C0". The isoleucine amino acid residue is found in multiple mammalian species, which suggests that this missense change does not adversely affect protein function. In summary, the available evidence is currently insufficient to determine the role of this variant in disease. Therefore, it has been classified as a Variant of Uncertain Significance.